The following is an entry in ClinVar:

ClinVar aggregate classification (germline): Uncertain significance. Review status: criteria provided, multiple submitters, no conflicts (2 of 4 stars). 2 submissions from 2 submitters: Uncertain significance (2). Last evaluated 2025-07-01.

Conditions:
Intellectual disability, autosomal recessive 53 (NEDHSCA). Also called: NEURODEVELOPMENTAL DISORDER WITH OR WITHOUT HYPOTONIA, SEIZURES, AND CEREBELLAR ATROPHY; GLYCOSYLPHOSPHATIDYLINOSITOL BIOSYNTHESIS DEFECT 13; Mental retardation, autosomal recessive 53. Identifiers: Orphanet 488635, MedGen C4310794, MONDO:0014832, OMIM 616917.
Inborn genetic diseases. Identifiers: MedGen C0950123, MeSH D030342.

Submissions (2):

Ambry Genetics
Classification: Uncertain significance for Inborn genetic diseases. Last evaluated: 2025-07-01. Review status: criteria provided, single submitter. Criteria: Ambry Variant Classification Scheme 2023. Collection method: clinical testing. Allele origin: germline.

Labcorp Genetics (formerly Invitae), Labcorp
Classification: Uncertain significance for Intellectual disability, autosomal recessive 53. Last evaluated: 2022-07-26. Review status: criteria provided, single submitter. Criteria: Invitae Variant Classification Sherloc (09022015). Collection method: clinical testing. Allele origin: germline.
Comment: This sequence change replaces isoleucine, which is neutral and non-polar, with asparagine, which is neutral and polar, at codon 303 of the PIGG protein (p.Ile303Asn). This variant is not present in population databases (gnomAD no frequency). This variant has not been reported in the literature in individuals affected with PIGG-related conditions. ClinVar contains an entry for this variant (Variation ID: 1363608). Algorithms developed to predict the effect of missense changes on protein structure and function output the following: SIFT: "Tolerated"; PolyPhen-2: "Benign"; Align-GVGD: "Class C0". The asparagine amino acid residue is found in multiple mammalian species, which suggests that this missense change does not adversely affect protein function. In summary, the available evidence is currently insufficient to determine the role of this variant in disease. Therefore, it has been classified as a Variant of Uncertain Significance.

NM_001127178.3(PIGG):c.908T>A (p.Ile303Asn)

Gene: PIGG (phosphatidylinositol glycan anchor biosynthesis class G (EMM blood group); plus strand). Cytogenetic location: 4p16.3.
Variant type: single nucleotide variant.
Coding change: c.908T>A on transcript NM_001127178.3 (MANE Select); coding-DNA position 908, T replaced by A.
Protein change: p.Ile303Asn; replaces isoleucine 303 with asparagine.
Molecular consequence: missense variant. On other transcripts: 5 prime UTR variant (4), non-coding transcript variant (10).
Genome position (GRCh38, 1-based): chr4:515,979, T>A. VCF-style: chr4-515979-T-A. GRCh37 (hg19) VCF-style: chr4-509768-T-A.
Other names: c.641T>A, p.Ile214Asn (NM_001289051.2, NM_001289053.2, NM_001289057.2 and 2 more transcripts); c.509T>A, p.Ile170Asn (NM_001289052.2); c.542T>A, p.Ile181Asn (NM_001289055.2); c.-122T>A (NM_001345988.2); c.908T>A, p.Ile303Asn (NM_001345989.2, NM_017733.5); c.-718T>A (NM_001345990.2); c.-580T>A (NM_001345991.2); c.-305T>A (NM_001345994.2); and 1 more; short protein forms I170N, I181N, I303N, I214N.
Identifiers: ClinVar variation 1363608 (VCV001363608.4), dbSNP rs1459250449, ClinGen allele CA355901733.